The following is an entry in ClinVar:

NM_000718.4(CACNA1B):c.6470A>G (p.Glu2157Gly)

Gene: CACNA1B (calcium voltage-gated channel subunit alpha1 B; plus strand). Cytogenetic location: 9q34.3.
Variant type: single nucleotide variant.
Coding change: c.6470A>G on transcript NM_000718.4 (MANE Select); coding-DNA position 6470, A replaced by G.
Protein change: p.Glu2157Gly; replaces glutamic acid 2157 with glycine.
Molecular consequence: missense variant.
Genome position (GRCh38, 1-based): chr9:138,120,862, A>G. VCF-style: chr9-138120862-A-G. GRCh37 (hg19) VCF-style: chr9-141015314-A-G.
Other names: c.6470A>G, p.Glu2157Gly (NM_001243812.2); c.6470A>G (NM_000718.3); short protein forms E2157G.
Identifiers: ClinVar variation 2186612 (VCV002186612.3), dbSNP rs747384909, ClinGen allele CA5377718.

ClinVar aggregate classification (germline): Uncertain significance. Review status: criteria provided, multiple submitters, no conflicts (2 of 4 stars). 2 submissions from 2 submitters: Uncertain significance (2). Last evaluated 2023-04-25.

Allele frequency attached by ClinVar (database versions not stated): gnomAD exomes 0.00002; TOPMed 0.00002; gnomAD 0.00003; ExAC 0.00004.
gnomAD v4.1: 32 of 1,571,896 alleles (0.002%); highest among the groups gnomAD compares: African/African-American, 0.0027%; no homozygotes.

Submissions (2):

Ambry Genetics
Classification: Uncertain significance. Last evaluated: 2023-04-25. Review status: criteria provided, single submitter. Criteria: Ambry Variant Classification Scheme 2023. Collection method: clinical testing. Allele origin: germline.

Labcorp Genetics (formerly Invitae), Labcorp
Classification: Uncertain significance. Last evaluated: 2022-07-26. Review status: criteria provided, single submitter. Criteria: Invitae Variant Classification Sherloc (09022015). Collection method: clinical testing. Allele origin: germline.
Comment: This sequence change replaces glutamic acid, which is acidic and polar, with glycine, which is neutral and non-polar, at codon 2157 of the CACNA1B protein (p.Glu2157Gly). The frequency data for this variant in the population databases is considered unreliable, as metrics indicate poor data quality at this position in the gnomAD database. This variant has not been reported in the literature in individuals affected with CACNA1B-related conditions. Advanced modeling of protein sequence and biophysical properties (such as structural, functional, and spatial information, amino acid conservation, physicochemical variation, residue mobility, and thermodynamic stability) performed at Invitae indicates that this missense variant is not expected to disrupt CACNA1B protein function. In summary, the available evidence is currently insufficient to determine the role of this variant in disease. Therefore, it has been classified as a Variant of Uncertain Significance.